The following is an entry in ClinVar:

ClinVar aggregate classification (germline): Uncertain significance. Review status: criteria provided, multiple submitters, no conflicts (2 of 4 stars). 2 submissions from 2 submitters: Uncertain significance (2). Last evaluated 2026-01-18.

Conditions:
Hereditary cancer-predisposing syndrome. Also called: Tumor predisposition; Hereditary Cancer Syndrome; Hereditary neoplastic syndrome; Neoplastic Syndromes, Hereditary. Identifiers: Orphanet 140162, MedGen C0027672, MeSH D009386, MONDO:0015356.
Familial adenomatous polyposis 2. Also called: FAP type 2; MUTYH Polyposis; COLORECTAL ADENOMATOUS POLYPOSIS, AUTOSOMAL RECESSIVE; ADENOMAS, MULTIPLE COLORECTAL, AUTOSOMAL RECESSIVE; MUTYH-associated polyposis; MUTYH-related attenuated familial adenomatous polyposis. Identifiers: Orphanet 220460, Orphanet 247798, MedGen C3272841, MONDO:0012041, OMIM 608456.

Submissions (2):

Labcorp Genetics (formerly Invitae), Labcorp
Classification: Uncertain significance for Familial adenomatous polyposis 2. Last evaluated: 2026-01-18. Review status: criteria provided, single submitter. Criteria: Invitae Variant Classification Sherloc (09022015). Collection method: clinical testing. Allele origin: germline.
Comment: This sequence change replaces alanine, which is neutral and non-polar, with proline, which is neutral and non-polar, at codon 273 of the MUTYH protein (p.Ala273Pro). This variant is not present in population databases (gnomAD no frequency). This variant has not been reported in the literature in individuals affected with MUTYH-related conditions. ClinVar contains an entry for this variant (Variation ID: 835707). An algorithm developed to predict the effect of missense changes on protein structure and function (PolyPhen-2) suggests that this variant is likely to be tolerated. In summary, the available evidence is currently insufficient to determine the role of this variant in disease. Therefore, it has been classified as a Variant of Uncertain Significance.

Color Diagnostics, LLC DBA Color Health
Classification: Uncertain significance for Hereditary cancer-predisposing syndrome. Last evaluated: 2023-12-05. Review status: criteria provided, single submitter. Criteria: ACMG Guidelines, 2015. Collection method: clinical testing. Allele origin: germline.
Comment: This missense variant replaces alanine with proline at codon 273 of the MUTYH protein. Computational prediction suggests that this variant may not impact protein structure and function (internally defined REVEL score threshold <= 0.5, PMID: 27666373). To our knowledge, functional studies have not been reported for this variant. This variant has not been reported in individuals affected with MUTYH-related disorders in the literature. This variant has not been identified in the general population by the Genome Aggregation Database (gnomAD). The available evidence is insufficient to determine the role of this variant in disease conclusively. Therefore, this variant is classified as a Variant of Uncertain Significance.

NM_001048174.2(MUTYH):c.733G>C (p.Ala245Pro)

Gene: MUTYH (mutY DNA glycosylase; minus strand). Cytogenetic location: 1p34.1.
Variant type: single nucleotide variant.
Coding change: c.733G>C on transcript NM_001048174.2 (MANE Select); coding-DNA position 733, G replaced by C.
Protein change: p.Ala245Pro; replaces alanine 245 with proline.
Molecular consequence: missense variant. On other transcripts: non-coding transcript variant (2).
Genome position (GRCh38, 1-based): chr1:45,332,282, C>G on the plus strand (G>C on the coding strand, the complement: MUTYH is on the minus strand). VCF-style: chr1-45332282-C-G. GRCh37 (hg19) VCF-style: chr1-45797954-C-G.
Other names: c.733G>C, p.Ala245Pro (NM_001048171.2, NM_001048173.2, NM_001293195.2); c.736G>C, p.Ala246Pro (NM_001048172.2); c.817G>C, p.Ala273Pro (NM_001128425.2); c.778G>C, p.Ala260Pro (NM_001293190.2); c.766G>C, p.Ala256Pro (NM_001293191.2); c.457G>C, p.Ala153Pro (NM_001293192.2, NM_001293196.2); c.388G>C, p.Ala130Pro (NM_001350650.2, NM_001350651.2); c.808G>C, p.Ala270Pro (NM_012222.3); short protein forms A130P, A260P, A270P, A245P, A256P, A153P, A246P, A273P.
Identifiers: ClinVar variation 835707 (VCV000835707.14), dbSNP rs1645047324, ClinGen allele CA340134674.